The following is an entry in ClinVar:

ClinVar aggregate classification (germline): Uncertain significance (1 of 4 stars; one submission).

Conditions:
Myopathy, centronuclear, 2 (CNM2). Also called: MYOTUBULAR MYOPATHY, AUTOSOMAL RECESSIVE. Identifiers: Orphanet 169186, MedGen CN031787, MONDO:0009709, OMIM 255200.

gnomAD v4.1: 1 of 1,614,068 alleles (0.000062%); highest among the groups gnomAD compares: Admixed American, 0.0017%; no homozygotes.

Submission:

Labcorp Genetics (formerly Invitae), Labcorp
Classification: Uncertain significance for Myopathy, centronuclear, 2. Last evaluated: 2025-07-03. Review status: criteria provided, single submitter. Criteria: Invitae Variant Classification Sherloc (09022015). Collection method: clinical testing. Allele origin: germline.
Comment: This sequence change replaces alanine, which is neutral and non-polar, with valine, which is neutral and non-polar, at codon 74 of the BIN1 protein (p.Ala74Val). This variant is present in population databases (no rsID available, gnomAD 0.003%). This variant has not been reported in the literature in individuals affected with BIN1-related conditions. An algorithm developed to predict the effect of missense changes on protein structure and function (PolyPhen-2) suggests that this variant is likely to be disruptive. In summary, the available evidence is currently insufficient to determine the role of this variant in disease. Therefore, it has been classified as a Variant of Uncertain Significance.

NM_139343.3(BIN1):c.221C>T (p.Ala74Val)

Gene: BIN1 (bridging integrator 1; minus strand). Cytogenetic location: 2q14.3.
Variant type: single nucleotide variant.
Coding change: c.221C>T on transcript NM_139343.3 (MANE Select); coding-DNA position 221, C replaced by T.
Protein change: p.Ala74Val; replaces alanine 74 with valine.
Molecular consequence: missense variant.
Genome position (GRCh38, 1-based): chr2:127,070,647, G>A on the plus strand (C>T on the coding strand, the complement: BIN1 is on the minus strand). VCF-style: chr2-127070647-G-A. GRCh37 (hg19) VCF-style: chr2-127828223-G-A.
Other names: c.221C>T, p.Ala74Val (NM_001320632.2, NM_001320633.2, NM_001320640.2 and 10 more transcripts); c.149C>T, p.Ala50Val (NM_001320634.1); c.140C>T, p.Ala47Val (NM_001320642.1); short protein forms A47V, A50V, A74V.
Identifiers: ClinVar variation 4739149 (VCV004739149.1).